The following is an entry in ClinVar:

NM_001288705.3(CSF1R):c.2828A>G (p.Glu943Gly)

Gene: CSF1R (colony stimulating factor 1 receptor; minus strand). Cytogenetic location: 5q32.
Variant type: single nucleotide variant.
Coding change: c.2828A>G on transcript NM_001288705.3 (MANE Select); coding-DNA position 2828, A replaced by G.
Protein change: p.Glu943Gly; replaces glutamic acid 943 with glycine.
Molecular consequence: missense variant. On other transcripts: non-coding transcript variant (2).
Genome position (GRCh38, 1-based): chr5:150,054,160, T>C on the plus strand (A>G on the coding strand, the complement: CSF1R is on the minus strand). VCF-style: chr5-150054160-T-C. GRCh37 (hg19) VCF-style: chr5-149433723-T-C.
Other names: c.2828A>G, p.Glu943Gly (NM_001349736.2, NM_001375320.1, NM_005211.4); c.2384A>G, p.Glu795Gly (NM_001375321.1); short protein forms E943G, E795G.
Identifiers: ClinVar variation 2745424 (VCV002745424.3), dbSNP rs1757069345, ClinGen allele CA361756211.

ClinVar aggregate classification (germline): Uncertain significance (1 of 4 stars; one submission).

Submission:

Labcorp Genetics (formerly Invitae), Labcorp
Classification: Uncertain significance. Last evaluated: 2023-05-28. Review status: criteria provided, single submitter. Criteria: Invitae Variant Classification Sherloc (09022015). Collection method: clinical testing. Allele origin: germline.
Comment: In summary, the available evidence is currently insufficient to determine the role of this variant in disease. Therefore, it has been classified as a Variant of Uncertain Significance. Advanced modeling of protein sequence and biophysical properties (such as structural, functional, and spatial information, amino acid conservation, physicochemical variation, residue mobility, and thermodynamic stability) performed at Invitae indicates that this missense variant is not expected to disrupt CSF1R protein function. This variant has not been reported in the literature in individuals affected with CSF1R-related conditions. This variant is not present in population databases (gnomAD no frequency). This sequence change replaces glutamic acid, which is acidic and polar, with glycine, which is neutral and non-polar, at codon 943 of the CSF1R protein (p.Glu943Gly).